The following is an entry in ClinVar:

ClinVar aggregate classification (germline): Uncertain significance. Review status: criteria provided, multiple submitters, no conflicts (2 of 4 stars). 4 submissions from 4 submitters: Uncertain significance (4). Last evaluated 2026-01-31.

Conditions:
Hereditary cancer-predisposing syndrome. Also called: Hereditary neoplastic syndrome; Hereditary Cancer Syndrome; Neoplastic Syndromes, Hereditary; Tumor predisposition. Identifiers: Orphanet 140162, MedGen C0027672, MeSH D009386, MONDO:0015356.
Familial cancer of breast. Also called: Hereditary breast cancer; BREAST CANCER, FAMILIAL; hereditary breast carcinoma. Identifiers: Orphanet 227535, MedGen C0346153, MONDO:0016419, OMIM 114480. Disease mechanism: loss of function.

Allele frequency attached by ClinVar (database versions not stated): ExAC 0.00001.
gnomAD v4.1: 4 of 1,613,610 alleles (0.00025%); highest among the groups gnomAD compares: Admixed American, 0.0067%; no homozygotes.

Submissions (4):

Labcorp Genetics (formerly Invitae), Labcorp
Classification: Uncertain significance for Familial cancer of breast. Last evaluated: 2026-01-31. Review status: criteria provided, single submitter. Criteria: Invitae Variant Classification Sherloc (09022015). Collection method: clinical testing. Allele origin: germline.
Comment: This sequence change replaces histidine, which is basic and polar, with proline, which is neutral and non-polar, at codon 1126 of the PALB2 protein (p.His1126Pro). This variant is present in population databases (rs752373316, gnomAD 0.009%). This missense change has been observed in individual(s) with breast and/or ovarian cancer (PMID: 35451682). ClinVar contains an entry for this variant (Variation ID: 229867). An algorithm developed to predict the effect of missense changes on protein structure and function (PolyPhen-2) suggests that this variant is likely to be tolerated. In summary, the available evidence is currently insufficient to determine the role of this variant in disease. Therefore, it has been classified as a Variant of Uncertain Significance.

Baylor Genetics
Classification: Uncertain significance for Familial cancer of breast. Last evaluated: 2023-12-12. Review status: criteria provided, single submitter. Criteria: ACMG Guidelines, 2015. Collection method: clinical testing. Allele origin: unknown.

Color Diagnostics, LLC DBA Color Health
Classification: Uncertain significance for Hereditary cancer-predisposing syndrome. Last evaluated: 2023-12-05. Review status: criteria provided, single submitter. Criteria: ACMG Guidelines, 2015. Collection method: clinical testing. Allele origin: germline.
Comment: This missense variant replaces histidine with proline at codon 1126 of the PALB2 protein. Computational prediction suggests that this variant may not impact protein structure and function (internally defined REVEL score threshold <= 0.5, PMID: 27666373). To our knowledge, functional studies have not been reported for this variant. This variant has not been reported in individuals affected with PALB2-related disorders in the literature. This variant has been identified in 3/251428 chromosomes in the general population by the Genome Aggregation Database (gnomAD). The available evidence is insufficient to determine the role of this variant in disease conclusively. Therefore, this variant is classified as a Variant of Uncertain Significance.

Ambry Genetics
Classification: Uncertain significance for Hereditary cancer-predisposing syndrome. Last evaluated: 2023-08-29. Review status: criteria provided, single submitter. Criteria: Ambry Variant Classification Scheme 2023. Collection method: clinical testing. Allele origin: germline.
Comment: The p.H1126P variant (also known as c.3377A>C), located in coding exon 13 of the PALB2 gene, results from an A to C substitution at nucleotide position 3377. The histidine at codon 1126 is replaced by proline, an amino acid with similar properties. This amino acid position is poorly conserved in available vertebrate species. In addition, this alteration is predicted to be tolerated by in silico analysis. Since supporting evidence is limited at this time, the clinical significance of this alteration remains unclear.

Literature cited by the submitters: PubMed 35451682 (cited by Labcorp Genetics (formerly Invitae), Labcorp).

NM_024675.4(PALB2):c.3377A>C (p.His1126Pro)

Gene: PALB2 (partner and localizer of BRCA2; minus strand). Cytogenetic location: 16p12.2.
Variant type: single nucleotide variant.
Coding change: c.3377A>C on transcript NM_024675.4 (MANE Select); coding-DNA position 3377, A replaced by C.
Protein change: p.His1126Pro; replaces histidine 1126 with proline.
Molecular consequence: missense variant.
Genome position (GRCh38, 1-based): chr16:23,603,643, T>G on the plus strand (A>C on the coding strand, the complement: PALB2 is on the minus strand). VCF-style: chr16-23603643-T-G. GRCh37 (hg19) VCF-style: chr16-23614964-T-G.
Other names: short protein forms H1126P.
Identifiers: ClinVar variation 229867 (VCV000229867.20), dbSNP rs752373316, ClinGen allele CA7963347.
Genomic context (GRCh38, chr16:23,603,643, plus strand): 5'-TGACCGAGAAGTAAGTCCCAAATGGCAATTGTTCCAGAAGTCAAGATTGCTGCTGCACAG[T>G]GATCTTTCACGTCACCTTCCAGGAACCTGATAGCATACAAAGAAGATATAATTCAGATTA-3'
Protein context (NP_078951.2, residues 1116-1136): GRFLEGDVKD[His1126Pro]CAAAILTSGT